The following is an entry in ClinVar:

NC_000013.11:g.52011556C>T

Gene: ATP7B (ATPase copper transporting beta; minus strand). Cytogenetic location: 13q14.3.
Variant type: single nucleotide variant.
Molecular consequence: 5 prime UTR variant (on NM_001406528.1). On other transcripts: intron variant (11).
Genome position: GRCh38 VCF-style: chr13-52011556-C-T. GRCh37 (hg19) VCF-style: chr13-52585692-C-T.
Other names: c.-219G>A (NM_001406528.1, NM_001406532.1); c.-54-165G>A (NM_001406541.1, NM_001406531.1, NM_001406527.1 and 4 more transcripts); c.-183-165G>A (NM_001406543.1); c.-55+101G>A (NM_001406522.1, NM_001406516.1, NM_001406512.1).
Identifiers: ClinVar variation 3041484 (VCV003041484.3), dbSNP rs1055544760, ClinGen allele CA250092152.

ClinVar aggregate classification (germline): Uncertain significance. Review status: criteria provided, single submitter (1 of 4 stars). 2 submissions from 2 submitters: Uncertain significance (1). 1 of the submissions does not count toward it. Last evaluated 2024-11-25.

Conditions:
ATP7B-related disorder. Also called: ATP7B-related condition.

Allele frequency attached by ClinVar (database versions not stated): 1000 Genomes Project 30x 0.00016; TOPMed 0.00057; gnomAD 0.00040.
gnomAD v4.1: 274 of 640,718 alleles (0.043%); highest among the groups gnomAD compares: Middle Eastern, 0.62%; no homozygotes.

Submissions (2):

Blueprint Genetics
Classification: Uncertain significance. Last evaluated: 2024-11-25. Review status: criteria provided, single submitter. Criteria: ACMG Guidelines, 2015. Collection method: clinical testing. Allele origin: germline.

PreventionGenetics, part of Exact Sciences
Classification: Likely benign for ATP7B-related condition. Last evaluated: 2019-06-25. Review status: no assertion criteria provided. Collection method: clinical testing. Allele origin: germline. Not counted in ClinVar's aggregate classification.
Comment: This variant is classified as likely benign based on ACMG/AMP sequence variant interpretation guidelines (Richards et al. 2015 PMID: 25741868, with internal and published modifications).